The following is an entry in ClinVar:

NM_001376.5(DYNC1H1):c.8608C>T (p.Pro2870Ser)

Gene: DYNC1H1 (dynein cytoplasmic 1 heavy chain 1; plus strand). Cytogenetic location: 14q32.31.
Variant type: single nucleotide variant.
Coding change: c.8608C>T on transcript NM_001376.5 (MANE Select); coding-DNA position 8608, C replaced by T.
Protein change: p.Pro2870Ser; replaces proline 2870 with serine.
Molecular consequence: missense variant.
Genome position (GRCh38, 1-based): chr14:102,022,851, C>T. VCF-style: chr14-102022851-C-T. GRCh37 (hg19) VCF-style: chr14-102489188-C-T.
Other names: short protein forms P2870S.
Identifiers: ClinVar variation 2497967 (VCV002497967.1), dbSNP rs2503789762, ClinGen allele CA391007216.

ClinVar aggregate classification (germline): Uncertain significance (1 of 4 stars; one submission).

Submission:

GeneDx
Classification: Uncertain significance. Last evaluated: 2022-10-07. Review status: criteria provided, single submitter. Criteria: GeneDx Variant Classification Process June 2021. Collection method: clinical testing. Allele origin: germline. Affected: yes.
Comment: Not observed at significant frequency in large population cohorts (gnomAD); In silico analysis supports that this missense variant has a deleterious effect on protein structure/function; Has not been previously published as pathogenic or benign to our knowledge